The following is an entry in ClinVar:

ClinVar aggregate classification (germline): Pathogenic (1 of 4 stars; one submission).

Conditions:
AHDC1-related intellectual disability - obstructive sleep apnea - mild dysmorphism syndrome. Also called: Xia-Gibbs syndrome. Identifiers: Orphanet 412069, MedGen C4014419, MONDO:0014358, OMIM 615829.

Submission:

Cellular and Molecular Research Center, Cellular and Molecular Medicine Research Institute,, Urmia University of Medical Sciences
Classification: Pathogenic for AHDC1-related intellectual disability - obstructive sleep apnea - mild dysmorphism syndrome. Last evaluated: 2026-10-14. Review status: criteria provided, single submitter. Criteria: ACMG Guidelines, 2015. Collection method: clinical testing. Allele origin: de novo. Inheritance: Autosomal dominant inheritance. Affected: yes. Observed: 1 variant allele, 1 heterozygote.
Comment: The AHDC1 gene (OMIM: 615790) encodes a nuclear protein called Gibbin, which is thought to participate in DNA binding and transcriptional regulation. Heterozygous pathogenic variants in AHDC1 are associated with Xia–Gibbs syndrome (XGS; OMIM: 615829), a rare autosomal dominant neurodevelopmental disorder.AHDC1 was first associated with Xia–Gibbs syndrome in 2014, when Xia et al. reported four unrelated individuals with neurodevelopmental abnormalities and de novo heterozygous truncating variants in AHDC1. The variant c.3299_3317del represents an intragenic deletion of 19 consecutive nucleotides, extending from coding DNA position 3299 to position 3317. Since 19 is not divisible by three, this deletion is predicted to disrupt the normal reading frame, resulting in a frameshift mutation. Because the deletion occurs within the coding region, it is expected to affect the structural integrity and normal function of the AHDC1 protein. Approximately 97–98% of individuals with Xia–Gibbs syndrome have detectable pathogenic variants through AHDC1 sequence analysis. The AHDC1 c.3299_3317del variant is a 19-bp coding-region deletion predicted to cause a frameshift and premature protein truncation. Exome/genetic testing identified a heterozygous frameshift deletion in AHDC1 (NM_001029882:exon6:c.3299_3317del, p.Arg1100LeufsTer36; chr1:27875310). This fits the autosomal dominant inheritance of Xia-Gibbs syndrome. The variant is not listed in ClinVar or InterVar, whereas VarSome classifies it as pathogenic. As a frameshift variant predicted to cause premature termination, in a gene where loss of function is the established disease mechanism, and in a patient whose phenotype (central hypotonia and delayed motor milestones) is consistent with Xia-Gibbs syndrome, our evaluation supports its classification as pathogenic.

Literature cited by the submitters: DOI 10.1016/j.ajhg.2014.04.006.

NM_001371928.1(AHDC1):c.3299_3317del (p.Arg1100fs)

Gene: AHDC1 (AT-hook DNA binding motif containing 1; minus strand). Cytogenetic location: 1p36.11.
Variant type: Deletion.
Coding change: c.3299_3317del on transcript NM_001371928.1 (MANE Select); coding-DNA positions 3299 to 3317, 19 bases deleted (GGCAGTTTGCGGGGGCTTC).
Protein change: p.Arg1100fs; shifts the reading frame from arginine 1100.
Molecular consequence: frameshift variant.
Genome position (GRCh38, 1-based): chr1:27,548,799-27,548,817, GAAGCCCCCGCAAACTGCC deleted on the plus strand (GGCAGTTTGCGGGGGCTTC on the coding strand, the reverse complement: AHDC1 is on the minus strand); deleting any 19 consecutive bases within chr1:27,548,799-27,548,819 gives the same sequence; the c. name uses the placement nearest the transcript's 3' end. VCF-style (leftmost placement, unchanged base first): chr1-27548798-AGAAGCCCCCGCAAACTGCC-A. GRCh37 (hg19) VCF-style: chr1-27875309-AGAAGCCCCCGCAAACTGCC-A.
Other names: c.3299_3317del, p.Arg1100fs (NM_001029882.3); short protein forms R1100fs.
Identifiers: ClinVar variation 5042599 (VCV005042599.1).